The following is an entry in ClinVar:

ClinVar aggregate classification (germline): Likely benign (0 of 4 stars; one submission).

Conditions:
TENM3-related disorder. Also called: TENM3-related condition.

Allele frequency attached by ClinVar (database versions not stated): ExAC 0.00004; TOPMed 0.00013; 1000 Genomes Project 30x 0.00016; gnomAD 0.00016; 1000 Genomes Project 0.00020.
gnomAD v4.1: 55 of 1,607,120 alleles (0.0034%); highest among the groups gnomAD compares: Admixed American, 0.054%; no homozygotes.

Submission:

PreventionGenetics, part of Exact Sciences
Classification: Likely benign for TENM3-related condition. Last evaluated: 2019-06-21. Review status: no assertion criteria provided. Collection method: clinical testing. Allele origin: germline.
Comment: This variant is classified as likely benign based on ACMG/AMP sequence variant interpretation guidelines (Richards et al. 2015 PMID: 25741868, with internal and published modifications).

NM_001080477.4(TENM3):c.7335T>C (p.Asp2445=)

Gene: TENM3 (teneurin transmembrane protein 3; plus strand). Cytogenetic location: 4q35.1.
Variant type: single nucleotide variant.
Coding change: c.7335T>C on transcript NM_001080477.4 (MANE Select); coding-DNA position 7335, T replaced by C.
Protein change: p.Asp2445=; no amino-acid change (aspartic acid 2445 retained).
Molecular consequence: synonymous variant.
Genome position (GRCh38, 1-based): chr4:182,796,758, T>C. VCF-style: chr4-182796758-T-C. GRCh37 (hg19) VCF-style: chr4-183717911-T-C.
Other names: c.6567T>C, p.Asp2189= (NM_001415960.1); c.6540T>C, p.Asp2180= (NM_001415961.1); c.6537T>C, p.Asp2179= (NM_001415962.1); c.6519T>C, p.Asp2173= (NM_001415963.1); c.6516T>C, p.Asp2172= (NM_001415964.1); c.7053T>C, p.Asp2351= (NM_001415966.1); c.7077T>C, p.Asp2359= (NM_001415967.1); c.7353T>C, p.Asp2451= (NM_001415968.1); and 4 more.
Identifiers: ClinVar variation 3042630 (VCV003042630.2), dbSNP rs200218318, ClinGen allele CA3148914.